The following is an entry in ClinVar:

NM_000143.4(FH):c.1237-7C>T

Gene: FH (fumarate hydratase; minus strand). Cytogenetic location: 1q43.
Variant type: single nucleotide variant.
Coding change: c.1237-7C>T on transcript NM_000143.4 (MANE Select); 7 bases into the intron before coding-DNA position 1237, C replaced by T.
Molecular consequence: intron variant.
Genome position (GRCh38, 1-based): chr1:241,500,597, G>A on the plus strand (C>T on the coding strand, the complement: FH is on the minus strand). VCF-style: chr1-241500597-G-A. GRCh37 (hg19) VCF-style: chr1-241663897-G-A.
Identifiers: ClinVar variation 418591 (VCV000418591.18), dbSNP rs376260223, ClinGen allele CA1478491.

ClinVar aggregate classification (germline): Conflicting classifications of pathogenicity. Review status: criteria provided, conflicting classifications (1 of 4 stars). 7 submissions from 7 submitters: Uncertain significance (1); Benign (2); Likely benign (3). 1 of the submissions does not count toward it. Last evaluated 2026-01-27.

Conditions:
Hereditary leiomyomatosis and renal cell cancer. Also called: LEIOMYOMA, MULTIPLE CUTANEOUS; Reed syndrome; Multiple cutaneous and uterine leiomyomatosis; Cutaneous leiomyomata with uterine leiomyomata; Leiomyoma, hereditary multiple, of skin; Multiple cutaneous and uterine leiomyomata. Identifiers: Orphanet 523, MedGen C1708350, MONDO:0007888, OMIM 150800, HP:0007437. Disease mechanism: loss of function.
FH-related disorder. Also called: FH-related disorders; FH-related condition.
Hereditary cancer-predisposing syndrome. Also called: Tumor predisposition; Hereditary Cancer Syndrome; Hereditary neoplastic syndrome; Neoplastic Syndromes, Hereditary. Identifiers: Orphanet 140162, MedGen C0027672, MeSH D009386, MONDO:0015356.

Allele frequency attached by ClinVar (database versions not stated): gnomAD exomes 0.00002 and 0.00003; ExAC 0.00005; gnomAD 0.00020 and 0.00022; ESP Exome Variant Server 0.00054.
gnomAD v4.1: 51 of 1,586,462 alleles (0.0032%); highest among the groups gnomAD compares: African/African-American, 0.064%; 1 homozygote.

Submissions (7):

Labcorp Genetics (formerly Invitae), Labcorp
Classification: Likely benign. Last evaluated: 2026-01-27. Review status: criteria provided, single submitter. Criteria: Invitae Variant Classification Sherloc (09022015). Collection method: clinical testing. Allele origin: germline.

Myriad Genetics, Inc.
Classification: Benign for Hereditary leiomyomatosis and renal cell cancer. Last evaluated: 2024-09-11. Review status: criteria provided, single submitter. Criteria: Myriad Autosomal Dominant, Autosomal Recessive and X-Linked Classification Criteria (2023). Collection method: clinical testing. Allele origin: unknown.
Comment: This variant is considered benign. This variant is intronic and is not expected to impact mRNA splicing. This variant has been observed at a population frequency that is significantly greater than expected given the associated disease prevalence and penetrance.

Blueprint Genetics
Classification: Likely benign. Last evaluated: 2024-07-05. Review status: criteria provided, single submitter. Criteria: ACMG Guidelines, 2015. Collection method: clinical testing. Allele origin: germline.

Quest Diagnostics Nichols Institute San Juan Capistrano
Classification: Benign. Last evaluated: 2022-12-03. Review status: criteria provided, single submitter. Criteria: Quest Diagnostics criteria. Collection method: clinical testing. Allele origin: unknown.

Sema4
Classification: Likely benign for Hereditary cancer-predisposing syndrome. Last evaluated: 2022-03-15. Review status: criteria provided, single submitter. Criteria: Sema4 Curation Guidelines. Collection method: curation. Allele origin: germline.

GeneDx
Classification: Uncertain significance. Last evaluated: 2016-06-22. Review status: criteria provided, single submitter. Criteria: GeneDx Variant Classification (06012015). Collection method: clinical testing. Allele origin: germline. Affected: yes.
Comment: This variant is denoted FH c.1237-7C>T or IVS8-7C>T and consists of a C>T nucleotide substitution at the -7 position of intron 8 of the FH gene. Multiple splice prediction models are uninformative for this variant. In the absence of RNA or functional studies, the actual effect of this variant is unknown. This variant has not, to our knowledge, been published in the literature as pathogenic or benign. FH c.1237-7C>T was observed with an allele frequency of 0.2% (7/4406) in African Americans in the NHLBI Exome Sequencing Project. The cytosine (C) nucleotide that is altered is not conserved across species. Based on currently available information, it is unclear whether FH c.1237-7C>T is pathogenic or benign. We consider it to be a variant of uncertain significance.

PreventionGenetics, part of Exact Sciences
Classification: Likely benign for FH-related condition. Last evaluated: 2020-01-23. Review status: no assertion criteria provided. Collection method: clinical testing. Allele origin: germline. Not counted in ClinVar's aggregate classification.
Comment: This variant is classified as likely benign based on ACMG/AMP sequence variant interpretation guidelines (Richards et al. 2015 PMID: 25741868, with internal and published modifications).